The following is an entry in ClinVar:

NM_001164508.2(NEB):c.23174_23187del (p.Leu7725fs)

Genes: NEB (nebulin; minus strand), RIF1 (replication timing regulatory factor 1; plus strand). Cytogenetic location: 2q23.3.
Variant type: Deletion.
Coding change: c.23174_23187del on transcript NM_001164508.2 (MANE Select); coding-DNA positions 23174 to 23187, 14 bases deleted (TGAATGCCATGGCC).
Protein change: p.Leu7725fs; shifts the reading frame from leucine 7725.
Molecular consequence: frameshift variant.
Genome position (GRCh38, 1-based): chr2:151,513,634-151,513,647, GGCCATGGCATTCA deleted on the plus strand (TGAATGCCATGGCC on the coding strand, the reverse complement: NEB is on the minus strand); deleting any 14 consecutive bases within chr2:151,513,634-151,513,651 gives the same sequence; the c. name uses the placement nearest the transcript's 3' end. VCF-style (leftmost placement, unchanged base first): chr2-151513633-TGGCCATGGCATTCA-T. GRCh37 (hg19) VCF-style: chr2-152370147-TGGCCATGGCATTCA-T.
Other names: c.23174_23187del, p.Leu7725fs (NM_001164507.2); c.23279_23292del, p.Leu7760fs (NM_001271208.2); c.18071_18084del, p.Leu6024fs (NM_004543.5); short protein forms L6024fs, L7725fs, L7760fs.
Identifiers: ClinVar variation 1724330 (VCV001724330.2), dbSNP rs2552076561, ClinGen allele CA2580063929.

ClinVar aggregate classification (germline): Likely pathogenic (1 of 4 stars; one submission).

Conditions:
Nemaline myopathy 2 (NEM2). Also called: Nemaline myopathy 2, autosomal recessive. Identifiers: MedGen C1850569, MONDO:0009725, OMIM 256030.

Submission:

Myriad Genetics, Inc.
Classification: Likely pathogenic for Nemaline myopathy 2. Last evaluated: 2022-02-05. Review status: criteria provided, single submitter. Criteria: Myriad Women's Health Autosomal Recessive and X-Linked Classification Criteria (2021). Collection method: clinical testing. Allele origin: unknown.
Comment: NM_001271208.1(NEB):c.23279_23292del14(L7760Qfs*2) is expected to be pathogenic in the context of NEB-related nemaline myopathy. This variant is predicted to lead to an abnormal or absent protein product due to the creation of a premature termination codon in NEB, a gene where loss-of-function variants are known to be pathogenic. Please note: this variant was assessed in the context of healthy population screening.